The following is an entry in ClinVar:

NM_005228.5(EGFR):c.88+4A>C

Gene: EGFR (epidermal growth factor receptor; plus strand). Cytogenetic location: 7p11.2.
Variant type: single nucleotide variant.
Coding change: c.88+4A>C on transcript NM_005228.5 (MANE Select); 4 bases into the intron after coding-DNA position 88, A replaced by C.
Molecular consequence: intron variant.
Genome position (GRCh38, 1-based): chr7:55,019,369, A>C. VCF-style: chr7-55019369-A-C. GRCh37 (hg19) VCF-style: chr7-55087062-A-C.
Other names: c.88+4A>C (NM_001346899.2, NM_001346941.2, NM_001346898.2 and 4 more transcripts).
Identifiers: ClinVar variation 3690202 (VCV003690202.2).
Genomic context (GRCh38, chr7:55,019,369, plus strand): 5'-TCCTGGCGCTGCTGGCTGCGCTCTGCCCGGCGAGTCGGGCTCTGGAGGAAAAGAAAGGTA[A>C]GGGCGTGTCTCGCCGGCTCCCGCGCCGCCCCCGGATCGCGCCCCGGACCCCGCAGCCCGC-3'

ClinVar aggregate classification (germline): Uncertain significance (1 of 4 stars; one submission).

Conditions:
EGFR-related lung cancer (EGFR). Identifiers: MedGen CN130014.

Submission:

Labcorp Genetics (formerly Invitae), Labcorp
Classification: Uncertain significance for EGFR-related lung cancer. Last evaluated: 2024-06-09. Review status: criteria provided, single submitter. Criteria: Invitae Variant Classification Sherloc (09022015). Collection method: clinical testing. Allele origin: germline.
Comment: This sequence change falls in intron 1 of the EGFR gene. It does not directly change the encoded amino acid sequence of the EGFR protein. It affects a nucleotide within the consensus splice site. This variant is not present in population databases (gnomAD no frequency). This variant has not been reported in the literature in individuals affected with EGFR-related conditions. Variants that disrupt the consensus splice site are a relatively common cause of aberrant splicing (PMID: 17576681, 9536098). Algorithms developed to predict the effect of sequence changes on RNA splicing suggest that this variant is not likely to affect RNA splicing. In summary, the available evidence is currently insufficient to determine the role of this variant in disease. Therefore, it has been classified as a Variant of Uncertain Significance.

Literature cited by the submitters: PubMed 17576681; PubMed 9536098.